The following is an entry in ClinVar:

ClinVar aggregate classification (germline): Uncertain significance (1 of 4 stars; one submission).

Conditions:
TTN-related disorder. Also called: TTN-related condition; TTN-related disease; TTN-related disorders.

gnomAD v4.1: 12 of 1,547,640 alleles (0.00078%); highest among the groups gnomAD compares: African/African-American, 0.0014%; no homozygotes.

Submission:

PreventionGenetics, part of Exact Sciences
Classification: Uncertain significance for TTN-related condition. Last evaluated: 2025-03-13. Review status: criteria provided, single submitter. Criteria: ACMG Guidelines, 2015. Collection method: clinical testing. Allele origin: germline.
Comment: The TTN c.99856G>A variant is predicted to result in the amino acid substitution p.Glu33286Lys. To our knowledge, this variant has not been reported in the literature. This variant is reported in 0.0069% of alleles in individuals of African descent in gnomAD. At this time, the clinical significance of this variant is uncertain due to the absence of conclusive functional and genetic evidence.

NM_001267550.2(TTN):c.99856G>A (p.Glu33286Lys)

Genes: TTN (titin; minus strand), TTN-AS1 (TTN antisense RNA 1; plus strand), LOC126806420 (BRD4-independent group 4 enhancer GRCh37_chr2:179401104-179402303; plus strand). Cytogenetic location: 2q31.2.
Variant type: single nucleotide variant.
Coding change: c.99856G>A on transcript NM_001267550.2 (MANE Select); coding-DNA position 99856, G replaced by A.
Protein change: p.Glu33286Lys; replaces glutamic acid 33286 with lysine.
Molecular consequence: missense variant.
Genome position (GRCh38, 1-based): chr2:178,537,351, C>T on the plus strand (G>A on the coding strand, the complement: TTN is on the minus strand). VCF-style: chr2-178537351-C-T. GRCh37 (hg19) VCF-style: chr2-179402078-C-T.
Other names: c.94933G>A, p.Glu31645Lys (NM_001256850.1); c.72661G>A, p.Glu24221Lys (NM_003319.4); c.92152G>A, p.Glu30718Lys (NM_133378.4); c.73036G>A, p.Glu24346Lys (NM_133432.3); c.73237G>A, p.Glu24413Lys (NM_133437.4); short protein forms E33286K, E24413K, E31645K, E30718K, E24221K, E24346K.
Identifiers: ClinVar variation 4979373 (VCV004979373.1).